The following is an entry in ClinVar:

NM_025081.3(NYNRIN):c.5694G>C (p.Gln1898His)

Gene: NYNRIN (NYN domain and retroviral integrase containing; plus strand). Cytogenetic location: 14q12.
Variant type: single nucleotide variant.
Coding change: c.5694G>C on transcript NM_025081.3 (MANE Select); coding-DNA position 5694, G replaced by C.
Protein change: p.Gln1898His; replaces glutamine 1898 with histidine.
Molecular consequence: missense variant.
Genome position (GRCh38, 1-based): chr14:24,417,443, G>C. VCF-style: chr14-24417443-G-C. GRCh37 (hg19) VCF-style: chr14-24886649-G-C.
Other names: short protein forms Q1898H.
Identifiers: ClinVar variation 3664804 (VCV003664804.2).

ClinVar aggregate classification (germline): Uncertain significance (1 of 4 stars; one submission).

gnomAD v4.1: 9 of 1,478,300 alleles (0.00061%); highest among the groups gnomAD compares: East Asian, 0.022%; no homozygotes.

Submission:

Labcorp Genetics (formerly Invitae), Labcorp
Classification: Uncertain significance. Last evaluated: 2024-03-13. Review status: criteria provided, single submitter. Criteria: Invitae Variant Classification Sherloc (09022015). Collection method: clinical testing. Allele origin: germline.
Comment: This sequence change replaces glutamine, which is neutral and polar, with histidine, which is basic and polar, at codon 1898 of the NYNRIN protein (p.Gln1898His). The frequency data for this variant in the population databases is considered unreliable, as metrics indicate poor data quality at this position in the gnomAD database. This variant has not been reported in the literature in individuals affected with NYNRIN-related conditions. Experimental studies and prediction algorithms are not available or were not evaluated, and the functional significance of this variant is currently unknown. In summary, the available evidence is currently insufficient to determine the role of this variant in disease. Therefore, it has been classified as a Variant of Uncertain Significance.